The following is an entry in ClinVar:

NM_201384.3(PLEC):c.8632G>A (p.Gly2878Ser)

Gene: PLEC (plectin; minus strand). Cytogenetic location: 8q24.3.
Variant type: single nucleotide variant.
Coding change: c.8632G>A on transcript NM_201384.3 (MANE Select); coding-DNA position 8632, G replaced by A.
Protein change: p.Gly2878Ser; replaces glycine 2878 with serine.
Molecular consequence: missense variant.
Genome position (GRCh38, 1-based): chr8:143,921,189, C>T on the plus strand (G>A on the coding strand, the complement: PLEC is on the minus strand). VCF-style: chr8-143921189-C-T. GRCh37 (hg19) VCF-style: chr8-144995357-C-T.
Other names: c.8713G>A, p.Gly2905Ser (NM_000445.5); c.5332G>A, p.Gly1778Ser (NM_001410941.1); c.8590G>A, p.Gly2864Ser (NM_201378.4); c.8566G>A, p.Gly2856Ser (NM_201379.3); c.9043G>A, p.Gly3015Ser (NM_201380.4); c.8536G>A, p.Gly2846Ser (NM_201381.3); c.8632G>A, p.Gly2878Ser (NM_201382.4); c.8644G>A, p.Gly2882Ser (NM_201383.3); short protein forms G1778S, G2856S, G2878S, G2882S, G3015S, G2846S, G2864S, G2905S.
Identifiers: ClinVar variation 4791784 (VCV004791784.1).

ClinVar aggregate classification (germline): Uncertain significance (1 of 4 stars; one submission).

Conditions:
Epidermolysis bullosa simplex with nail dystrophy (EBS5D). Identifiers: MedGen C4225309, MONDO:0014661, OMIM 616487.
Epidermolysis bullosa simplex, Ogna type (EBS5A). Also called: EPIDERMOLYSIS BULLOSA SIMPLEX 5A, OGNA TYPE; Pidermolysis bullosa simplex 5A, Ogna type. Identifiers: Orphanet 79401, MedGen C0432317, MONDO:0007555, OMIM 131950.
Autosomal recessive limb-girdle muscular dystrophy type 2Q (LGMDR17). Also called: MUSCULAR DYSTROPHY, LIMB-GIRDLE, AUTOSOMAL RECESSIVE 17. Identifiers: Orphanet 254361, MedGen C3150989, MONDO:0013390, OMIM 613723.
Epidermolysis bullosa simplex 5B, with muscular dystrophy (EBS5B). Also called: EPIDERMOLYSIS BULLOSA SIMPLEX AND LIMB-GIRDLE MUSCULAR DYSTROPHY; Epidermolysis bullosa simplex with muscular dystrophy. Identifiers: Orphanet 257, MedGen C2931072, MONDO:0009181, OMIM 226670.
Epidermolysis bullosa simplex 5C, with pyloric atresia (EBS5C). Also called: PLEC-Related Epidermolysis Bullosa with Pyloric Atresia; Epidermolysis bullosa simplex with pyloric atresia; PLEC1-Related Epidermolysis Bullosa with Pyloric Atresia. Identifiers: Orphanet 158684, MedGen C2677349, MONDO:0012807, OMIM 612138.

Submission:

Labcorp Genetics (formerly Invitae), Labcorp
Classification: Uncertain significance for Autosomal recessive limb-girdle muscular dystrophy type 2Q; Epidermolysis bullosa simplex, Ogna type; Epidermolysis bullosa simplex with nail dystrophy; Epidermolysis bullosa simplex 5C, with pyloric atresia; Epidermolysis bullosa simplex 5B, with muscular dystrophy. Last evaluated: 2025-08-24. Review status: criteria provided, single submitter. Criteria: Invitae Variant Classification Sherloc (09022015). Collection method: clinical testing. Allele origin: germline.
Comment: This sequence change replaces glycine, which is neutral and non-polar, with serine, which is neutral and polar, at codon 2905 of the PLEC protein (p.Gly2905Ser). This variant is present in population databases (rs782479896, gnomAD 0.0009%). This variant has not been reported in the literature in individuals affected with PLEC-related conditions. An algorithm developed to predict the effect of missense changes on protein structure and function (PolyPhen-2) suggests that this variant is likely to be disruptive. In summary, the available evidence is currently insufficient to determine the role of this variant in disease. Therefore, it has been classified as a Variant of Uncertain Significance.